The following is an entry in ClinVar:

NM_000404.4(GLB1):c.836A>G (p.Gln279Arg)

Gene: GLB1 (galactosidase beta 1; minus strand). Cytogenetic location: 3p22.3.
Variant type: single nucleotide variant.
Coding change: c.836A>G on transcript NM_000404.4 (MANE Select); coding-DNA position 836, A replaced by G.
Protein change: p.Gln279Arg; replaces glutamine 279 with arginine.
Molecular consequence: missense variant.
Genome position (GRCh38, 1-based): chr3:33,051,961, T>C on the plus strand (A>G on the coding strand, the complement: GLB1 is on the minus strand). VCF-style: chr3-33051961-T-C. GRCh37 (hg19) VCF-style: chr3-33093453-T-C.
Other names: c.746A>G, p.Gln249Arg (NM_001079811.3); c.443A>G, p.Gln148Arg (NM_001135602.3); c.980A>G, p.Gln327Arg (NM_001317040.2); c.836A>G, p.Gln279Arg (NM_001393580.1); short protein forms Q148R, Q279R, Q327R, Q249R.
Identifiers: ClinVar variation 1346804 (VCV001346804.5), dbSNP rs1185364016, ClinGen allele CA352001520.
Genomic context (GRCh38, chr3:33,051,961, plus strand): 5'-CGGGCAAGTATATCATAGAGGGAGGAAGCCACTGCTTCGGTCTTGATTGTGGAGTGAGGT[T>C]GGCCCCAGTGATCTAGCCAGCCAGTATAGAATTCAGAATTGATCTAAAACAAAAAAAGAA-3'
Protein context (NP_000395.3, residues 269-289): FYTGWLDHWG[Gln279Arg]PHSTIKTEAV

ClinVar aggregate classification (germline): Uncertain significance (1 of 4 stars; one submission).

Conditions:
Mucopolysaccharidosis, MPS-IV-B (MPS4B). Also called: MORQUIO SYNDROME B; Mucopolysaccharidosis Type IVB (Morquio B Disease); Mucopolysaccharidosis type 4B; Mucopolysaccharidosis type IVB (Morquio); MPS IVB; Mucopolysaccharidosis type IV B. Identifiers: Orphanet 309310, Orphanet 582, MedGen C0086652, MONDO:0009660, OMIM 253010.
GM1 gangliosidosis. Identifiers: Orphanet 354, MedGen C0085131, MONDO:0018149.

Allele frequency attached by ClinVar (database versions not stated): gnomAD exomes below 0.00001 and 0.00001.

Submission:

Labcorp Genetics (formerly Invitae), Labcorp
Classification: Uncertain significance for Mucopolysaccharidosis, MPS-IV-B; GM1 gangliosidosis. Last evaluated: 2021-08-31. Review status: criteria provided, single submitter. Criteria: Invitae Variant Classification Sherloc (09022015). Collection method: clinical testing. Allele origin: germline.
Comment: This sequence change replaces glutamine with arginine at codon 279 of the GLB1 protein (p.Gln279Arg). The glutamine residue is moderately conserved and there is a small physicochemical difference between glutamine and arginine. This variant is not present in population databases (ExAC no frequency). This variant has not been reported in the literature in individuals affected with GLB1-related conditions. Advanced modeling of protein sequence and biophysical properties (such as structural, functional, and spatial information, amino acid conservation, physicochemical variation, residue mobility, and thermodynamic stability) performed at Invitae indicates that this missense variant is not expected to disrupt GLB1 protein function. In summary, the available evidence is currently insufficient to determine the role of this variant in disease. Therefore, it has been classified as a Variant of Uncertain Significance.